The following is an entry in ClinVar:

NM_001142800.2(EYS):c.2463A>G (p.Gly821=)

Gene: EYS (EGF-like photoreceptor maintenance factor; minus strand). Cytogenetic location: 6q12.
Variant type: single nucleotide variant.
Coding change: c.2463A>G on transcript NM_001142800.2 (MANE Select); coding-DNA position 2463, A replaced by G.
Protein change: p.Gly821=; no amino-acid change (glycine 821 retained).
Molecular consequence: synonymous variant.
Genome position (GRCh38, 1-based): chr6:64,912,662, T>C on the plus strand (A>G on the coding strand, the complement: EYS is on the minus strand). VCF-style: chr6-64912662-T-C. GRCh37 (hg19) VCF-style: chr6-65622555-T-C.
Other names: c.2463A>G, p.Gly821= (NM_001292009.2); c.2463A>G (NM_001142800.1).
Identifiers: ClinVar variation 1080054 (VCV001080054.10), dbSNP rs765155122, ClinGen allele CA3877281.

ClinVar aggregate classification (germline): Likely benign. Review status: criteria provided, multiple submitters, no conflicts (2 of 4 stars). 2 submissions from 2 submitters: Likely benign (2). Last evaluated 2025-02-20.

Conditions:
EYS-related disorder. Also called: EYS-related condition.

Allele frequency attached by ClinVar (database versions not stated): TOPMed below 0.00001; gnomAD 0.00001; gnomAD exomes 0.00001; ExAC 0.00005.
gnomAD v4.1: 10 of 1,547,062 alleles (0.00065%); highest among the groups gnomAD compares: Non-Finnish European, 0.00079%; no homozygotes.

Submissions (2):

Labcorp Genetics (formerly Invitae), Labcorp
Classification: Likely benign. Last evaluated: 2025-02-20. Review status: criteria provided, single submitter. Criteria: Invitae Variant Classification Sherloc (09022015). Collection method: clinical testing. Allele origin: germline.

PreventionGenetics, part of Exact Sciences
Classification: Likely benign for EYS-related condition. Last evaluated: 2025-01-24. Review status: criteria provided, single submitter. Criteria: ACMG Guidelines, 2015. Collection method: clinical testing. Allele origin: germline.
Comment: This variant is classified as likely benign based on ACMG/AMP sequence variant interpretation guidelines (Richards et al. 2015 PMID: 25741868, with internal and published modifications).